The following is an entry in ClinVar:

NM_022168.4(IFIH1):c.737_739dup (p.Ser247Ter)

Gene: IFIH1 (interferon induced with helicase C domain 1; minus strand). Cytogenetic location: 2q24.2.
Variant type: Duplication.
Coding change: c.737_739dup on transcript NM_022168.4 (MANE Select); coding-DNA positions 737 to 739, 3 bases duplicated (AAT; older notation c.737_739dupAAT).
Protein change: p.Ser247Ter; replaces serine 247 with a stop codon.
Molecular consequence: nonsense.
Genome position (GRCh38, 1-based): chr2:162,306,739-162,306,741, ATT duplicated on the plus strand (AAT on the coding strand, the reverse complement: IFIH1 is on the minus strand). VCF-style (leftmost placement, unchanged base first): chr2-162306738-G-GATT. GRCh37 (hg19) VCF-style: chr2-163163248-G-GATT.
Other names: short protein forms S247*.
Identifiers: ClinVar variation 1499292 (VCV001499292.6), dbSNP rs1399614346, ClinGen allele CA759868412.
Genomic context (GRCh38, chr2:162,306,738, plus strand): 5'-CTGTATTAAAGTACGTATGTGTTTCAAGTACCTGAAACTACAGAAGAATCTGCAAAAGAT[G>GATT]ATTCTGATGAGTTATTCTCCATGCCCCAGACCTCCTTCTCCAGATTTGGCTGAACTGTGG-3'

ClinVar aggregate classification (germline): Uncertain significance (1 of 4 stars; one submission).

Conditions:
Aicardi-Goutieres syndrome 7 (AGS7). Identifiers: Orphanet 51, MedGen C3888244, MONDO:0014367, OMIM 615846.
Singleton-Merten syndrome 1 (SGMRT1). Also called: Widened medullary cavities of bone, aortic calcification, abnormal dentition, and muscular weakness; Syndrome of widened medullary cavities of the metacarpals and phalanges, aortic calcification and abnormal dentition. Identifiers: Orphanet 85191, MedGen C4225427, MONDO:0024535, OMIM 182250.

Allele frequency attached by ClinVar (database versions not stated): TOPMed below 0.00001; gnomAD 0.00001.

Submission:

Labcorp Genetics (formerly Invitae), Labcorp
Classification: Uncertain significance for Aicardi-Goutieres syndrome 7; Singleton-Merten syndrome 1. Last evaluated: 2022-07-06. Review status: criteria provided, single submitter. Criteria: Invitae Variant Classification Sherloc (09022015). Collection method: clinical testing. Allele origin: germline.
Comment: This sequence change creates a premature translational stop signal (p.Ser247*) in the IFIH1 gene. It is expected to result in an absent or disrupted protein product. However, the current clinical and genetic evidence is not sufficient to establish whether loss-of-function variants in IFIH1 cause disease. In summary, the available evidence is currently insufficient to determine the role of this variant in disease. Therefore, it has been classified as a Variant of Uncertain Significance. Algorithms developed to predict the effect of sequence changes on RNA splicing suggest that this variant may disrupt the consensus splice site. ClinVar contains an entry for this variant (Variation ID: 1499292). This variant has not been reported in the literature in individuals affected with IFIH1-related conditions. This variant is not present in population databases (gnomAD no frequency).